The following is an entry in ClinVar:

NM_004104.5(FASN):c.5081G>A (p.Arg1694His)

Gene: FASN (fatty acid synthase; minus strand). Cytogenetic location: 17q25.3.
Variant type: single nucleotide variant.
Coding change: c.5081G>A on transcript NM_004104.5 (MANE Select); coding-DNA position 5081, G replaced by A.
Protein change: p.Arg1694His; replaces arginine 1694 with histidine.
Molecular consequence: missense variant.
Genome position (GRCh38, 1-based): chr17:82,083,992, C>T on the plus strand (G>A on the coding strand, the complement: FASN is on the minus strand). VCF-style: chr17-82083992-C-T. GRCh37 (hg19) VCF-style: chr17-80041868-C-T.
Other names: short protein forms R1694H.
Identifiers: ClinVar variation 1379527 (VCV001379527.6), dbSNP rs561903908, ClinGen allele CA8851841.
Genomic context (GRCh38, chr17:82,083,992, plus strand): 5'-GGGGCCAGGAGGGCAGCGGGAGGCACCGGGGGCGGGGCCTTACCCACGGTGGTGAAGACG[C>T]GGCAGCCCAGACTGAGGGCGATGGCGATGGCGGCCTGGCCCACGCCGCCCGAGCCCGAGT-3'
Protein context (NP_004095.4, residues 1684-1704): AIAIALSLGC[Arg1694His]VFTTVGSAEK

ClinVar aggregate classification (germline): Uncertain significance (1 of 4 stars; one submission).

Conditions:
Epileptic encephalopathy. Identifiers: MedGen C0543888, HP:0200134.

Allele frequency attached by ClinVar (database versions not stated): gnomAD exomes 0.00009; gnomAD 0.00013 and 0.00014; ExAC 0.00014; TOPMed 0.00017; 1000 Genomes Project 0.00020; 1000 Genomes Project 30x 0.00031.
gnomAD v4.1: 264 of 1,539,420 alleles (0.017%); highest among the groups gnomAD compares: African/African-American, 0.027%; no homozygotes.

Submission:

Labcorp Genetics (formerly Invitae), Labcorp
Classification: Uncertain significance for Epileptic encephalopathy. Last evaluated: 2025-01-19. Review status: criteria provided, single submitter. Criteria: Invitae Variant Classification Sherloc (09022015). Collection method: clinical testing. Allele origin: germline.
Comment: This sequence change replaces arginine, which is basic and polar, with histidine, which is basic and polar, at codon 1694 of the FASN protein (p.Arg1694His). This variant is present in population databases (rs561903908, gnomAD 0.03%). This variant has not been reported in the literature in individuals affected with FASN-related conditions. ClinVar contains an entry for this variant (Variation ID: 1379527). An algorithm developed to predict the effect of missense changes on protein structure and function (PolyPhen-2) suggests that this variant is likely to be tolerated. In summary, the available evidence is currently insufficient to determine the role of this variant in disease. Therefore, it has been classified as a Variant of Uncertain Significance.